The following is an entry in ClinVar:

NM_002448.3(MSX1):c.544G>A (p.Ala182Thr)

Gene: MSX1 (msh homeobox 1; plus strand). Cytogenetic location: 4p16.2.
Variant type: single nucleotide variant.
Coding change: c.544G>A on transcript NM_002448.3 (MANE Select); coding-DNA position 544, G replaced by A.
Protein change: p.Ala182Thr; replaces alanine 182 with threonine.
Molecular consequence: missense variant.
Genome position (GRCh38, 1-based): chr4:4,862,775, G>A. VCF-style: chr4-4862775-G-A. GRCh37 (hg19) VCF-style: chr4-4864502-G-A.
Other names: short protein forms A182T.
Identifiers: ClinVar variation 1418913 (VCV001418913.8), dbSNP rs549162057, ClinGen allele CA2833070.

ClinVar aggregate classification (germline): Uncertain significance. Review status: criteria provided, multiple submitters, no conflicts (2 of 4 stars). 3 submissions from 3 submitters: Uncertain significance (3). Last evaluated 2025-04-07.

Conditions:
Inborn genetic diseases. Identifiers: MedGen C0950123, MeSH D030342.
Hypoplastic enamel-onycholysis-hypohidrosis syndrome (TNS). Also called: Tooth-and-Nail Syndrome; ECTODERMAL DYSPLASIA 3, TOOTH/NAIL TYPE; NAIL DYSPLASIA WITH HYPODONTIA; ECTODERMAL DYSPLASIA 3, WITKOP TYPE; WITKOP SYNDROME. Identifiers: Orphanet 2228, MedGen C0406735, MONDO:0008582, OMIM 189500.

Allele frequency attached by ClinVar (database versions not stated): TOPMed below 0.00001; ExAC 0.00001; gnomAD 0.00001; 1000 Genomes Project 30x 0.00016; 1000 Genomes Project 0.00020.

Submissions (3):

Ambry Genetics
Classification: Uncertain significance for Inborn genetic diseases. Last evaluated: 2025-04-07. Review status: criteria provided, single submitter. Criteria: Ambry Variant Classification Scheme 2023. Collection method: clinical testing. Allele origin: germline.

GeneDx
Classification: Uncertain significance. Last evaluated: 2024-08-28. Review status: criteria provided, single submitter. Criteria: GeneDx Variant Classification Process June 2021. Collection method: clinical testing. Allele origin: germline. Affected: yes.
Comment: In silico analysis indicates that this missense variant does not alter protein structure/function; Has not been previously published as pathogenic or benign to our knowledge

Labcorp Genetics (formerly Invitae), Labcorp
Classification: Uncertain significance for Hypoplastic enamel-onycholysis-hypohidrosis syndrome. Last evaluated: 2021-11-06. Review status: criteria provided, single submitter. Criteria: Invitae Variant Classification Sherloc (09022015). Collection method: clinical testing. Allele origin: germline.
Comment: In summary, the available evidence is currently insufficient to determine the role of this variant in disease. Therefore, it has been classified as a Variant of Uncertain Significance. Algorithms developed to predict the effect of missense changes on protein structure and function (SIFT, PolyPhen-2, Align-GVGD) all suggest that this variant is likely to be tolerated. This variant has not been reported in the literature in individuals affected with MSX1-related conditions. This variant is present in population databases (rs549162057, gnomAD 0.007%). This sequence change replaces alanine, which is neutral and non-polar, with threonine, which is neutral and polar, at codon 182 of the MSX1 protein (p.Ala182Thr).